The following is an entry in ClinVar:

ClinVar aggregate classification (germline): Uncertain significance (1 of 4 stars; one submission).

Conditions:
Neuropathy, hereditary sensory and autonomic, type 2A (HSAN2A). Also called: WNK1-Related HSAN2 (HSAN2A); MORVAN DISEASE; NEUROPATHY, CONGENITAL SENSORY; NEUROPATHY, HEREDITARY SENSORY RADICULAR, AUTOSOMAL RECESSIVE; NEUROPATHY, HEREDITARY SENSORY, TYPE IIA; NEUROPATHY, PROGRESSIVE SENSORY, OF CHILDREN. Identifiers: Orphanet 970, MedGen C2752089, MONDO:0024309, OMIM 201300.
Pseudohypoaldosteronism type 2C (PHA2C). Also called: Pseudohypoaldosteronism Type IIC. Identifiers: Orphanet 757, Orphanet 88940, MedGen C1840391, MONDO:0013778, OMIM 614492.

Submission:

Labcorp Genetics (formerly Invitae), Labcorp
Classification: Uncertain significance for Neuropathy, hereditary sensory and autonomic, type 2A; Pseudohypoaldosteronism type 2C. Last evaluated: 2021-06-03. Review status: criteria provided, single submitter. Criteria: Invitae Variant Classification Sherloc (09022015). Collection method: clinical testing. Allele origin: germline.
Comment: In summary, the available evidence is currently insufficient to determine the role of this variant in disease. Therefore, it has been classified as a Variant of Uncertain Significance. This sequence change replaces proline with alanine at codon 832 of the WNK1 protein (p.Pro832Ala). The proline residue is weakly conserved and there is a small physicochemical difference between proline and alanine. This variant is not present in population databases (ExAC no frequency). This variant has not been reported in the literature in individuals with WNK1-related conditions. Advanced modeling of protein sequence and biophysical properties (such as structural, functional, and spatial information, amino acid conservation, physicochemical variation, residue mobility, and thermodynamic stability) performed at Invitae indicates that this missense variant is not expected to disrupt WNK1 protein function. Algorithms developed to predict the effect of sequence changes on RNA splicing suggest that this variant may create or strengthen a splice site, but this prediction has not been confirmed by published transcriptional studies.

NM_213655.5(WNK1):c.2494C>G (p.Pro832Ala)

Gene: WNK1 (WNK lysine deficient protein kinase 1; plus strand). Cytogenetic location: 12p13.33.
Variant type: single nucleotide variant.
Coding change: c.2494C>G on transcript NM_213655.5 (MANE Plus Clinical); coding-DNA position 2494, C replaced by G.
Protein change: p.Pro832Ala; replaces proline 832 with alanine.
Molecular consequence: missense variant. On other transcripts: intron variant (2).
Genome position (GRCh38, 1-based): chr12:867,965, C>G. VCF-style: chr12-867965-C-G. GRCh37 (hg19) VCF-style: chr12-977131-C-G.
Other names: c.2239C>G, p.Pro747Ala (NM_001184985.2); c.2140-3300C>G (NM_018979.4, NM_014823.3); short protein forms P747A, P832A.
Identifiers: ClinVar variation 1358673 (VCV001358673.8), dbSNP rs2154071419, ClinGen allele CA383338893.